The following is an entry in ClinVar:

NM_000256.3(MYBPC3):c.1434G>A (p.Ser478=)

Gene: MYBPC3 (myosin binding protein C3; minus strand). Cytogenetic location: 11p11.2.
Variant type: single nucleotide variant.
Coding change: c.1434G>A on transcript NM_000256.3 (MANE Select); coding-DNA position 1434, G replaced by A.
Protein change: p.Ser478=; no amino-acid change (serine 478 retained).
Molecular consequence: synonymous variant.
Genome position (GRCh38, 1-based): chr11:47,342,853, C>T on the plus strand (G>A on the coding strand, the complement: MYBPC3 is on the minus strand). VCF-style: chr11-47342853-C-T. GRCh37 (hg19) VCF-style: chr11-47364404-C-T.
Other names: c.1434G>A, p.Ser478= (LRG_386t1).
Identifiers: ClinVar variation 514312 (VCV000514312.12), dbSNP rs770568659, ClinGen allele CA078079.

ClinVar aggregate classification (germline): Likely benign. Review status: criteria provided, multiple submitters, no conflicts (2 of 4 stars). 7 submissions from 7 submitters: Likely benign (7). Last evaluated 2026-03-03.

Conditions:
MYBPC3-related disorder. Also called: MYBPC3-related condition; MYBPC3-related disease; MYBPC3-related disorders.
Hypertrophic cardiomyopathy. Also called: HYPERTROPHIC MYOCARDIOPATHY. Identifiers: Orphanet 217569, MedGen C0007194, MeSH D002312, MONDO:0005045, HP:0001639.
Cardiomyopathy (CMYO). Also called: Cardiomyopathies. Identifiers: Orphanet 167848, MedGen C0878544, MONDO:0004994, HP:0001638. Inheritance: Various modes of inheritance.
Cardiovascular phenotype. Identifiers: MedGen CN230736.

Allele frequency attached by ClinVar (database versions not stated): gnomAD 0.00001; gnomAD exomes 0.00002 and 0.00004; ExAC 0.00005.

Submissions (7):

PreventionGenetics, part of Exact Sciences
Classification: Likely benign for MYBPC3-related condition. Last evaluated: 2026-03-03. Review status: criteria provided, single submitter. Criteria: ACMG Guidelines, 2015. Collection method: clinical testing. Allele origin: germline.
Comment: This variant is classified as likely benign based on ACMG/AMP sequence variant interpretation guidelines (Richards et al. 2015 PMID: 25741868, with internal and published modifications).

Labcorp Genetics (formerly Invitae), Labcorp
Classification: Likely benign for Hypertrophic cardiomyopathy. Last evaluated: 2025-12-09. Review status: criteria provided, single submitter. Criteria: Invitae Variant Classification Sherloc (09022015). Collection method: clinical testing. Allele origin: germline.

Ambry Genetics
Classification: Likely benign for Cardiovascular phenotype. Last evaluated: 2024-12-28. Review status: criteria provided, single submitter. Criteria: Ambry Variant Classification Scheme 2023. Collection method: clinical testing. Allele origin: germline.

All of Us Research Program, National Institutes of Health
Classification: Likely benign for Hypertrophic cardiomyopathy. Last evaluated: 2023-11-30. Review status: criteria provided, single submitter. Criteria: ACMG Guidelines, 2015. Collection method: clinical testing. Allele origin: germline. Inheritance: Autosomal dominant inheritance. Observed: 2 variant alleles, 2 heterozygotes.
Comment: This study involves interpretation of variants in research participants for the purpose of population health screening. Participant phenotype was not available at the time of variant classification. Additional details can be found in publication PMID: 35346344, PMCID: PMC8962531

Color Diagnostics, LLC DBA Color Health
Classification: Likely benign for Cardiomyopathy. Last evaluated: 2023-08-02. Review status: criteria provided, single submitter. Criteria: ACMG Guidelines, 2015. Collection method: clinical testing. Allele origin: germline.

Blueprint Genetics
Classification: Likely benign. Last evaluated: 2021-09-02. Review status: criteria provided, single submitter. Criteria: ACMG Guidelines, 2015. Collection method: clinical testing. Allele origin: germline.

GeneDx
Classification: Likely benign. Last evaluated: 2017-12-21. Review status: criteria provided, single submitter. Criteria: GeneDx Variant Classification (06012015). Collection method: clinical testing. Allele origin: germline. Affected: yes.
Comment: This variant is considered likely benign or benign based on one or more of the following criteria: it is a conservative change, it occurs at a poorly conserved position in the protein, it is predicted to be benign by multiple in silico algorithms, and/or has population frequency not consistent with disease.